The following is an entry in ClinVar:

ClinVar aggregate classification (germline): Uncertain significance (1 of 4 stars; one submission).

Conditions:
Von Hippel-Lindau syndrome (VHLS). Also called: Von Hippel-Lindau; von Hippel–Lindau syndrome; VHL syndrome. Identifiers: Orphanet 892, MedGen C0019562, MONDO:0008667, OMIM 193300. Disease mechanism: loss of function.

Submission:

All of Us Research Program, National Institutes of Health
Classification: Uncertain significance for Von Hippel-Lindau syndrome. Last evaluated: 2023-06-28. Review status: criteria provided, single submitter. Criteria: ACMG Guidelines, 2015. Collection method: clinical testing. Allele origin: germline. Inheritance: Autosomal dominant inheritance. Observed: 1 variant allele, 1 heterozygote.
Comment: This study involves interpretation of variants in research participants for the purpose of population health screening. Participant phenotype was not available at the time of variant classification. Additional details can be found in publication PMID: 35346344, PMCID: PMC8962531

NM_000551.4(VHL):c.17_35dup (p.Val13fs)

Gene: VHL (von Hippel-Lindau tumor suppressor; plus strand). Cytogenetic location: 3p25.3.
Variant type: Duplication.
Coding change: c.17_35dup on transcript NM_000551.4 (MANE Select); coding-DNA positions 17 to 35, 19 bases duplicated (AGAACTGGGACGAGGCCGA).
Protein change: p.Val13fs; shifts the reading frame from valine 13.
Molecular consequence: frameshift variant. On other transcripts: non-coding transcript variant (1).
Genome position (GRCh38, 1-based): chr3:10,141,864-10,141,882, AGAACTGGGACGAGGCCGA duplicated. VCF-style (leftmost placement, unchanged base first): chr3-10141863-G-GAGAACTGGGACGAGGCCGA. GRCh37 (hg19) VCF-style: chr3-10183547-G-GAGAACTGGGACGAGGCCGA.
Other names: c.17_35dup, p.Val13fs (NM_001354723.2, NM_198156.3); short protein forms V13fs.
Identifiers: ClinVar variation 3072112 (VCV003072112.1), dbSNP rs2470157016, ClinGen allele CA2825001164.